The following is an entry in ClinVar:

ClinVar aggregate classification (germline): Uncertain significance. Review status: criteria provided, multiple submitters, no conflicts (2 of 4 stars). 3 submissions from 3 submitters: Uncertain significance (3). Last evaluated 2025-12-10.

Conditions:
Hereditary cancer-predisposing syndrome. Also called: Neoplastic Syndromes, Hereditary; Tumor predisposition; Hereditary neoplastic syndrome; Hereditary Cancer Syndrome. Identifiers: Orphanet 140162, MedGen C0027672, MeSH D009386, MONDO:0015356.
Familial adenomatous polyposis 1 (FAP1). Also called: POLYPOSIS, ADENOMATOUS INTESTINAL; FAMILIAL ADENOMATOUS POLYPOSIS 1, ATTENUATED. Identifiers: MedGen C2713442, MONDO:0021056, OMIM 175100. Disease mechanism: loss of function.

Allele frequency attached by ClinVar (database versions not stated): gnomAD below 0.00001 and 0.00001; gnomAD exomes below 0.00001 and 0.00001; ExAC 0.00001.
gnomAD v4.1: 5 of 1,613,950 alleles (0.00031%); highest among the groups gnomAD compares: South Asian, 0.0055%; no homozygotes.

Submissions (3):

Labcorp Genetics (formerly Invitae), Labcorp
Classification: Uncertain significance for Familial adenomatous polyposis 1. Last evaluated: 2025-12-10. Review status: criteria provided, single submitter. Criteria: Invitae Variant Classification Sherloc (09022015). Collection method: clinical testing. Allele origin: germline.
Comment: This sequence change replaces alanine, which is neutral and non-polar, with glycine, which is neutral and non-polar, at codon 1050 of the APC protein (p.Ala1050Gly). This variant is present in population databases (rs753145833, gnomAD 0.003%). This variant has not been reported in the literature in individuals affected with APC-related conditions. ClinVar contains an entry for this variant (Variation ID: 630117). Invitae Evidence Modeling of protein sequence and biophysical properties (such as structural, functional, and spatial information, amino acid conservation, physicochemical variation, residue mobility, and thermodynamic stability) indicates that this missense variant is not expected to disrupt APC protein function with a negative predictive value of 95%. In summary, the available evidence is currently insufficient to determine the role of this variant in disease. Therefore, it has been classified as a Variant of Uncertain Significance.

Ambry Genetics
Classification: Uncertain significance for Hereditary cancer-predisposing syndrome. Last evaluated: 2025-08-27. Review status: criteria provided, single submitter. Criteria: Ambry Variant Classification Scheme 2023. Collection method: clinical testing. Allele origin: germline.

Color Diagnostics, LLC DBA Color Health
Classification: Uncertain significance for Hereditary cancer-predisposing syndrome. Last evaluated: 2023-12-05. Review status: criteria provided, single submitter. Criteria: ACMG Guidelines, 2015. Collection method: clinical testing. Allele origin: germline.
Comment: This missense variant replaces alanine with glycine at codon 1050 of the APC protein. Computational prediction suggests that this variant may not impact protein structure and function (internally defined REVEL score threshold <= 0.5, PMID: 27666373). To our knowledge, functional studies have not been reported for this variant. This variant has not been reported in individuals affected with APC-related disorders in the literature. This variant has been identified in 1/250606 chromosomes in the general population by the Genome Aggregation Database (gnomAD). The available evidence is insufficient to determine the role of this variant in disease conclusively. Therefore, this variant is classified as a Variant of Uncertain Significance.

NM_000038.6(APC):c.3149C>G (p.Ala1050Gly)

Gene: APC (APC regulator of Wnt signaling pathway; plus strand). Cytogenetic location: 5q22.2.
Variant type: single nucleotide variant.
Coding change: c.3149C>G on transcript NM_000038.6 (MANE Select); coding-DNA position 3149, C replaced by G.
Protein change: p.Ala1050Gly; replaces alanine 1050 with glycine.
Molecular consequence: missense variant.
Genome position (GRCh38, 1-based): chr5:112,838,743, C>G. VCF-style: chr5-112838743-C-G. GRCh37 (hg19) VCF-style: chr5-112174440-C-G.
Other names: c.3149C>G, p.Ala1050Gly (NM_001127510.3, NM_001354895.2); c.3095C>G, p.Ala1032Gly (NM_001127511.3); c.3203C>G, p.Ala1068Gly (NM_001354896.2); c.3179C>G, p.Ala1060Gly (NM_001354897.2); c.3074C>G, p.Ala1025Gly (NM_001354898.2); c.3065C>G, p.Ala1022Gly (NM_001354899.2); c.3026C>G, p.Ala1009Gly (NM_001354900.2); c.2972C>G, p.Ala991Gly (NM_001354901.2); and 5 more; short protein forms A1050G, A1032G, A1025G, A991G, A1060G, A890G, A949G, A1068G.
Identifiers: ClinVar variation 630117 (VCV000630117.20), dbSNP rs753145833, ClinGen allele CA034478.